The following is an entry in ClinVar:

NM_138295.5(PKD1L1):c.7545C>A (p.Ser2515Arg)

Genes: PKD1L1-AS1 (PKD1L1 antisense RNA 1; plus strand), PKD1L1 (polycystin 1 like 1, transient receptor potential channel interacting; minus strand). Cytogenetic location: 7p12.3.
Variant type: single nucleotide variant.
Coding change: c.7545C>A on transcript NM_138295.5 (MANE Select); coding-DNA position 7545, C replaced by A.
Protein change: p.Ser2515Arg; replaces serine 2515 with arginine.
Molecular consequence: missense variant.
Genome position (GRCh38, 1-based): chr7:47,811,853, G>T on the plus strand (C>A on the coding strand, the complement: PKD1L1 is on the minus strand). VCF-style: chr7-47811853-G-T. GRCh37 (hg19) VCF-style: chr7-47851451-G-T.
Other names: short protein forms S2515R.
Identifiers: ClinVar variation 2634211 (VCV002634211.3), dbSNP rs200401472, ClinGen allele CA158085731.

ClinVar aggregate classification (germline): Uncertain significance. Review status: criteria provided, multiple submitters, no conflicts (2 of 4 stars). 2 submissions from 2 submitters: Uncertain significance (2). Last evaluated 2025-04-09.

Conditions:
PKD1L1-related disorder. Also called: PKD1L1-related condition.
Inborn genetic diseases. Identifiers: MedGen C0950123, MeSH D030342.

gnomAD v4.1: 7 of 1,609,472 alleles (0.00043%); highest among the groups gnomAD compares: Admixed American, 0.01%; no homozygotes.

Submissions (2):

Ambry Genetics
Classification: Uncertain significance for Inborn genetic diseases. Last evaluated: 2025-04-09. Review status: criteria provided, single submitter. Criteria: Ambry Variant Classification Scheme 2023. Collection method: clinical testing. Allele origin: germline.

PreventionGenetics, part of Exact Sciences
Classification: Uncertain significance for PKD1L1-related condition. Last evaluated: 2024-11-08. Review status: criteria provided, single submitter. Criteria: ACMG Guidelines, 2015. Collection method: clinical testing. Allele origin: germline.
Comment: The PKD1L1 c.7545C>A variant is predicted to result in the amino acid substitution p.Ser2515Arg. To our knowledge, this variant has not been reported in the literature. This variant is reported in 0.015% of alleles in individuals of Latino descent in gnomAD. At this time, the clinical significance of this variant is uncertain due to the absence of conclusive functional and genetic evidence.